The following is an entry in ClinVar:

ClinVar aggregate classification (germline): Likely benign (1 of 4 stars; one submission).

gnomAD v4.1: 42 of 1,613,088 alleles (0.0026%); highest among the groups gnomAD compares: South Asian, 0.035%; 1 homozygote.

Submission:

CeGaT Center for Human Genetics Tuebingen
Classification: Likely benign. Last evaluated: 2025-01-01. Review status: criteria provided, single submitter. Criteria: CeGaT Center For Human Genetics Tuebingen Variant Classification Criteria Version 2. Collection method: clinical testing. Allele origin: germline. Affected: yes. Observed: 1 variant allele.
Comment: IGF2R: BP4, BP7

NM_000876.4(IGF2R):c.2166G>A (p.Pro722=)

Gene: IGF2R (insulin like growth factor 2 receptor; plus strand). Cytogenetic location: 6q25.3.
Variant type: single nucleotide variant.
Coding change: c.2166G>A on transcript NM_000876.4 (MANE Select); coding-DNA position 2166, G replaced by A.
Protein change: p.Pro722=; no amino-acid change (proline 722 retained).
Molecular consequence: synonymous variant.
Genome position (GRCh38, 1-based): chr6:160,047,273, G>A. VCF-style: chr6-160047273-G-A. GRCh37 (hg19) VCF-style: chr6-160468305-G-A.
Identifiers: ClinVar variation 3772328 (VCV003772328.13).